The following is an entry in ClinVar:

ClinVar aggregate classification (germline): Uncertain significance. Review status: criteria provided, multiple submitters, no conflicts (2 of 4 stars). 3 submissions from 3 submitters: Uncertain significance (3). Last evaluated 2025-01-05.

Conditions:
Inborn genetic diseases. Identifiers: MedGen C0950123, MeSH D030342.
Fanconi anemia complementation group A (FANCA). Also called: Fanconi anemia, group A; FANCA-Related Fanconi Anemia. Identifiers: Orphanet 84, MedGen C3469521, MONDO:0009215, OMIM 227650.
Fanconi anemia (FA). Also called: Fanconi's anemia. Identifiers: Orphanet 84, MedGen C0015625, MeSH D005199, MONDO:0019391.

Allele frequency attached by ClinVar (database versions not stated): ExAC 0.00001; gnomAD 0.00001 and 0.00002; gnomAD exomes 0.00001.
gnomAD v4.1: 6 of 1,613,188 alleles (0.00037%); highest among the groups gnomAD compares: African/African-American, 0.0027%; no homozygotes.

Submissions (3):

Ambry Genetics
Classification: Uncertain significance for Inborn genetic diseases. Last evaluated: 2025-01-05. Review status: criteria provided, single submitter. Criteria: Ambry Variant Classification Scheme 2023. Collection method: clinical testing. Allele origin: germline.
Comment: The p.I573V variant (also known as c.1717A>G), located in coding exon 19 of the FANCA gene, results from an A to G substitution at nucleotide position 1717. The isoleucine at codon 573 is replaced by valine, an amino acid with highly similar properties. This amino acid position is conserved. In addition, the in silico prediction for this alteration is inconclusive. Based on the available evidence, the clinical significance of this variant remains unclear.

ARUP Laboratories, Molecular Genetics and Genomics, ARUP Laboratories
Classification: Uncertain significance for Fanconi anemia complementation group A. Last evaluated: 2023-12-22. Review status: criteria provided, single submitter. Criteria: ARUP Molecular Germline Variant Investigation Process 2024. Collection method: clinical testing. Allele origin: germline.

Labcorp Genetics (formerly Invitae), Labcorp
Classification: Uncertain significance for Fanconi anemia. Last evaluated: 2021-08-30. Review status: criteria provided, single submitter. Criteria: Invitae Variant Classification Sherloc (09022015). Collection method: clinical testing. Allele origin: germline.
Comment: This sequence change replaces isoleucine with valine at codon 573 of the FANCA protein (p.Ile573Val). The isoleucine residue is highly conserved and there is a small physicochemical difference between isoleucine and valine. This variant is present in population databases (rs775255736, ExAC 0.009%). This variant has not been reported in the literature in individuals affected with FANCA-related conditions. Algorithms developed to predict the effect of missense changes on protein structure and function output the following: SIFT: "Tolerated"; PolyPhen-2: "Benign"; Align-GVGD: "Class C0". The valine amino acid residue is found in multiple mammalian species, which suggests that this missense change does not adversely affect protein function. In summary, the available evidence is currently insufficient to determine the role of this variant in disease. Therefore, it has been classified as a Variant of Uncertain Significance.

NM_000135.4(FANCA):c.1717A>G (p.Ile573Val)

Gene: FANCA (FA complementation group A; minus strand). Cytogenetic location: 16q24.3.
Variant type: single nucleotide variant.
Coding change: c.1717A>G on transcript NM_000135.4 (MANE Select); coding-DNA position 1717, A replaced by G.
Protein change: p.Ile573Val; replaces isoleucine 573 with valine.
Molecular consequence: missense variant.
Genome position (GRCh38, 1-based): chr16:89,779,002, T>C on the plus strand (A>G on the coding strand, the complement: FANCA is on the minus strand). VCF-style: chr16-89779002-T-C. GRCh37 (hg19) VCF-style: chr16-89845410-T-C.
Other names: c.1717A>G (NM_000135.2); c.1717A>G, p.Ile573Val (NM_001286167.3); short protein forms I573V.
Identifiers: ClinVar variation 1475804 (VCV001475804.8), dbSNP rs775255736, ClinGen allele CA8252130.
Genomic context (GRCh38, chr16:89,779,002, plus strand): 5'-CCACTCGAGGTGTGAGCAGGGCGGGGAGGAAGTGGGACACGTAGTAAGGCCTCCTGAATA[T>C]GCTGCAACACAGAGAAGCAGACAGTGCATCAGTCAGAGCAGCGAGAAGGCAATTCCCACA-3'
Protein context (NP_000126.2, residues 563-583): NIPVTVMEAS[Ile573Val]FRRPYYVSHF